The following is an entry in ClinVar:

NM_182493.3(MYLK3):c.2110A>G (p.Met704Val)

Gene: MYLK3 (myosin light chain kinase 3; minus strand). Cytogenetic location: 16q11.2.
Variant type: single nucleotide variant.
Coding change: c.2110A>G on transcript NM_182493.3 (MANE Select); coding-DNA position 2110, A replaced by G.
Protein change: p.Met704Val; replaces methionine 704 with valine.
Molecular consequence: missense variant.
Genome position (GRCh38, 1-based): chr16:46,712,652, T>C on the plus strand (A>G on the coding strand, the complement: MYLK3 is on the minus strand). VCF-style: chr16-46712652-T-C. GRCh37 (hg19) VCF-style: chr16-46746564-T-C.
Other names: c.1087A>G, p.Met363Val (NM_001308301.1); short protein forms M363V, M704V.
Identifiers: ClinVar variation 3017802 (VCV003017802.3), dbSNP rs778457659, ClinGen allele CA280206505.
Genomic context (GRCh38, chr16:46,712,652, plus strand): 5'-AAAGGAAGACAAATGACCCCTGTCCCCACTTCAGAGCCAGGGTGCTAAGCACTCACAGCA[T>C]GTAGGTGATGACTCCCACACTCCACATGTCTGTGGGGAATGAGACAAACTCATAATTGAC-3'
Protein context (NP_872299.2, residues 694-714): DMWSVGVITY[Met704Val]LLSGLSPFLG

ClinVar aggregate classification (germline): Uncertain significance (1 of 4 stars; one submission).

Allele frequency attached by ClinVar (database versions not stated): TOPMed 0.00001; gnomAD 0.00003; gnomAD exomes 0.00004.
gnomAD v4.1: 61 of 1,531,916 alleles (0.004%); highest among the groups gnomAD compares: Non-Finnish European, 0.0054%; no homozygotes.

Submission:

Labcorp Genetics (formerly Invitae), Labcorp
Classification: Uncertain significance. Last evaluated: 2025-12-03. Review status: criteria provided, single submitter. Criteria: Invitae Variant Classification Sherloc (09022015). Collection method: clinical testing. Allele origin: germline.
Comment: This sequence change replaces methionine, which is neutral and non-polar, with valine, which is neutral and non-polar, at codon 704 of the MYLK3 protein (p.Met704Val). This variant is not present in population databases (gnomAD no frequency). This variant has not been reported in the literature in individuals affected with MYLK3-related conditions. ClinVar contains an entry for this variant (Variation ID: 3017802). An algorithm developed to predict the effect of missense changes on protein structure and function (PolyPhen-2) suggests that this variant is likely to be disruptive. In summary, the available evidence is currently insufficient to determine the role of this variant in disease. Therefore, it has been classified as a Variant of Uncertain Significance.